The following is an entry in ClinVar:

NM_024664.4(PPCS):c.615A>G (p.Ile205Met)

Genes: CCDC30 (coiled-coil domain containing 30; plus strand), PPCS (phosphopantothenoylcysteine synthetase; plus strand). Cytogenetic location: 1p34.2.
Variant type: single nucleotide variant.
Coding change: c.615A>G on transcript NM_024664.4 (MANE Select); coding-DNA position 615, A replaced by G.
Protein change: p.Ile205Met; replaces isoleucine 205 with methionine.
Molecular consequence: missense variant. On other transcripts: 5 prime UTR variant (1), intron variant (2).
Genome position (GRCh38, 1-based): chr1:42,459,605, A>G. VCF-style: chr1-42459605-A-G. GRCh37 (hg19) VCF-style: chr1-42925276-A-G.
Other names: c.96A>G, p.Ile32Met (NM_001077447.3, NM_001287506.1, NM_001287508.2 and 2 more transcripts); c.-4A>G (NM_001287507.1); c.-880+2255A>G (NM_001355226.2); c.612+2255A>G (NM_001287511.2); short protein forms I32M, I205M.
Identifiers: ClinVar variation 1500157 (VCV001500157.9), dbSNP rs2148421371, ClinGen allele CA339948927.

ClinVar aggregate classification (germline): Uncertain significance (1 of 4 stars; one submission).

Submission:

Labcorp Genetics (formerly Invitae), Labcorp
Classification: Uncertain significance. Last evaluated: 2022-03-08. Review status: criteria provided, single submitter. Criteria: Invitae Variant Classification Sherloc (09022015). Collection method: clinical testing. Allele origin: germline.
Comment: This variant is not present in population databases (gnomAD no frequency). This variant has not been reported in the literature in individuals affected with PPCS-related conditions. Algorithms developed to predict the effect of missense changes on protein structure and function are either unavailable or do not agree on the potential impact of this missense change (SIFT: "Deleterious"; PolyPhen-2: "Probably Damaging"; Align-GVGD: "Class C0"). In summary, the available evidence is currently insufficient to determine the role of this variant in disease. Therefore, it has been classified as a Variant of Uncertain Significance. This sequence change replaces isoleucine, which is neutral and non-polar, with methionine, which is neutral and non-polar, at codon 205 of the PPCS protein (p.Ile205Met).